The following is an entry in ClinVar:

ClinVar aggregate classification (germline): Uncertain significance (1 of 4 stars; one submission).

Allele frequency attached by ClinVar (database versions not stated): gnomAD exomes below 0.00001; TOPMed below 0.00001.
gnomAD v4.1: 1 of 1,613,716 alleles (0.000062%); highest among the groups gnomAD compares: African/African-American, 0.0013%; no homozygotes.

Submission:

Labcorp Genetics (formerly Invitae), Labcorp
Classification: Uncertain significance. Last evaluated: 2024-11-04. Review status: criteria provided, single submitter. Criteria: Invitae Variant Classification Sherloc (09022015). Collection method: clinical testing. Allele origin: germline.
Comment: This sequence change replaces glutamic acid, which is acidic and polar, with glutamine, which is neutral and polar, at codon 749 of the OPA1 protein (p.Glu749Gln). This variant is not present in population databases (gnomAD no frequency). This variant has not been reported in the literature in individuals affected with OPA1-related conditions. ClinVar contains an entry for this variant (Variation ID: 1367141). Invitae Evidence Modeling of protein sequence and biophysical properties (such as structural, functional, and spatial information, amino acid conservation, physicochemical variation, residue mobility, and thermodynamic stability) indicates that this missense variant is not expected to disrupt OPA1 protein function with a negative predictive value of 80%. In summary, the available evidence is currently insufficient to determine the role of this variant in disease. Therefore, it has been classified as a Variant of Uncertain Significance.

NM_130837.3(OPA1):c.2410G>C (p.Glu804Gln)

Gene: OPA1 (OPA1 mitochondrial dynamin like GTPase; plus strand). Cytogenetic location: 3q29.
Variant type: single nucleotide variant.
Coding change: c.2410G>C on transcript NM_130837.3 (MANE Select); coding-DNA position 2410, G replaced by C.
Protein change: p.Glu804Gln; replaces glutamic acid 804 with glutamine.
Molecular consequence: missense variant.
Genome position (GRCh38, 1-based): chr3:193,658,965, G>C. VCF-style: chr3-193658965-G-C. GRCh37 (hg19) VCF-style: chr3-193376754-G-C.
Other names: c.1876G>C, p.Glu626Gln (NM_001354663.2); c.1873G>C, p.Glu625Gln (NM_001354664.2); c.2245G>C, p.Glu749Gln (NM_015560.3); c.2137G>C, p.Glu713Gln (NM_130831.3); c.2191G>C, p.Glu731Gln (NM_130832.3); c.2248G>C, p.Glu750Gln (NM_130833.3); c.2299G>C, p.Glu767Gln (NM_130834.3); c.2302G>C, p.Glu768Gln (NM_130835.3); and 1 more; short protein forms E731Q, E749Q, E786Q, E713Q, E750Q, E767Q, E625Q, E626Q.
Identifiers: ClinVar variation 1367141 (VCV001367141.6), dbSNP rs1714572413, ClinGen allele CA355791974.